The following is an entry in ClinVar:

ClinVar aggregate classification (germline): Uncertain significance (1 of 4 stars; one submission).

gnomAD v4.1: 5 of 1,611,312 alleles (0.00031%); highest among the groups gnomAD compares: Non-Finnish European, 0.00042%; no homozygotes.

Submission:

Labcorp Genetics (formerly Invitae), Labcorp
Classification: Uncertain significance. Last evaluated: 2026-02-01. Review status: criteria provided, single submitter. Criteria: Invitae Variant Classification Sherloc (09022015). Collection method: clinical testing. Allele origin: germline.
Comment: This sequence change replaces arginine, which is basic and polar, with leucine, which is neutral and non-polar, at codon 1301 of the DCHS1 protein (p.Arg1301Leu). This variant is not present in population databases (gnomAD no frequency). This variant has not been reported in the literature in individuals affected with DCHS1-related conditions. ClinVar contains an entry for this variant (Variation ID: 3622766). Invitae Evidence Modeling of protein sequence and biophysical properties (such as structural, functional, and spatial information, amino acid conservation, physicochemical variation, residue mobility, and thermodynamic stability) indicates that this missense variant is not expected to disrupt DCHS1 protein function with a negative predictive value of 80%. In summary, the available evidence is currently insufficient to determine the role of this variant in disease. Therefore, it has been classified as a Variant of Uncertain Significance.

NM_003737.4(DCHS1):c.3902G>T (p.Arg1301Leu)

Gene: DCHS1 (dachsous cadherin-related 1; minus strand). Cytogenetic location: 11p15.4.
Variant type: single nucleotide variant.
Coding change: c.3902G>T on transcript NM_003737.4 (MANE Select); coding-DNA position 3902, G replaced by T.
Protein change: p.Arg1301Leu; replaces arginine 1301 with leucine.
Molecular consequence: missense variant.
Genome position (GRCh38, 1-based): chr11:6,631,081, C>A on the plus strand (G>T on the coding strand, the complement: DCHS1 is on the minus strand). VCF-style: chr11-6631081-C-A. GRCh37 (hg19) VCF-style: chr11-6652312-C-A.
Other names: short protein forms R1301L.
Identifiers: ClinVar variation 3622766 (VCV003622766.2).